The following is an entry in ClinVar:

ClinVar aggregate classification (germline): Conflicting classifications of pathogenicity. Review status: criteria provided, conflicting classifications (1 of 4 stars). 3 submissions from 3 submitters: Uncertain significance (2); Likely benign (1). Last evaluated 2025-06-03.

Conditions:
ANKZF1-related disorder. Also called: ANKZF1-related condition.

Allele frequency attached by ClinVar (database versions not stated): gnomAD exomes below 0.00001.
gnomAD v4.1: 5 of 1,566,064 alleles (0.00032%); highest among the groups gnomAD compares: Middle Eastern, 0.017%; no homozygotes.

Submissions (3):

Ambry Genetics
Classification: Likely benign. Last evaluated: 2025-06-03. Review status: criteria provided, single submitter. Criteria: Ambry Variant Classification Scheme 2023. Collection method: clinical testing. Allele origin: germline.

Labcorp Genetics (formerly Invitae), Labcorp
Classification: Uncertain significance. Last evaluated: 2025-04-08. Review status: criteria provided, single submitter. Criteria: Invitae Variant Classification Sherloc (09022015). Collection method: clinical testing. Allele origin: germline.
Comment: This sequence change replaces tyrosine, which is neutral and polar, with histidine, which is basic and polar, at codon 349 of the ANKZF1 protein (p.Tyr349His). This variant is present in population databases (no rsID available, gnomAD 0.004%). This variant has not been reported in the literature in individuals affected with ANKZF1-related conditions. ClinVar contains an entry for this variant (Variation ID: 2086380). An algorithm developed to predict the effect of missense changes on protein structure and function outputs the following: PolyPhen-2: "Benign". The histidine amino acid residue is found in multiple mammalian species, which suggests that this missense change does not adversely affect protein function. In summary, the available evidence is currently insufficient to determine the role of this variant in disease. Therefore, it has been classified as a Variant of Uncertain Significance.

PreventionGenetics, part of Exact Sciences
Classification: Uncertain significance for ANKZF1-related condition. Last evaluated: 2023-04-17. Review status: criteria provided, single submitter. Criteria: ACMG Guidelines, 2015. Collection method: clinical testing. Allele origin: germline.
Comment: The ANKZF1 c.1045T>C variant is predicted to result in the amino acid substitution p.Tyr349His. To our knowledge, this variant has not been reported in the literature. This variant is reported in 0.0037% of alleles in individuals of Latino descent in gnomAD. At this time, the clinical significance of this variant is uncertain due to the absence of conclusive functional and genetic evidence.

NM_018089.3(ANKZF1):c.1045T>C (p.Tyr349His)

Gene: ANKZF1 (ankyrin repeat and zinc finger peptidyl tRNA hydrolase 1; plus strand). Cytogenetic location: 2q35.
Variant type: single nucleotide variant.
Coding change: c.1045T>C on transcript NM_018089.3 (MANE Select); coding-DNA position 1045, T replaced by C.
Protein change: p.Tyr349His; replaces tyrosine 349 with histidine.
Molecular consequence: missense variant.
Genome position (GRCh38, 1-based): chr2:219,233,940, T>C. VCF-style: chr2-219233940-T-C. GRCh37 (hg19) VCF-style: chr2-220098662-T-C.
Other names: c.1045T>C (NM_018089.2); c.1045T>C, p.Tyr349His (NM_001042410.2); c.415T>C, p.Tyr139His (NM_001282792.2); short protein forms Y139H, Y349H.
Identifiers: ClinVar variation 2086380 (VCV002086380.6), dbSNP rs1325261678, ClinGen allele CA350678328.
Genomic context (GRCh38, chr2:219,233,940, plus strand): 5'-CGCAGACCCACCTTCCAAGAGCTACAGCGTGTGCTCCATAAGCTGACCACTTTGCATGTC[T>C]ATGGTGAGCCTTTGCTCCAGATCCCAATTCCCTAGACCTTCCTGTTCTCTCCAACCTAAG-3'
Protein context (NP_060559.2, residues 339-359): VLHKLTTLHV[Tyr349His]EEDPREAVRL